The following is an entry in ClinVar:

ClinVar aggregate classification (germline): Uncertain significance (1 of 4 stars; one submission).

gnomAD v4.1: 2 of 1,210,001 alleles (0.00017%); highest among the groups gnomAD compares: African/African-American, 0.0035%; no homozygotes.

Submission:

GeneDx
Classification: Uncertain significance. Last evaluated: 2024-10-17. Review status: criteria provided, single submitter. Criteria: GeneDx Variant Classification Process June 2021. Collection method: clinical testing. Allele origin: germline. Affected: yes.
Comment: Not observed at significant frequency in large population cohorts (gnomAD); In silico analysis indicates that this missense variant does not alter protein structure/function; Has not been previously published as pathogenic or benign to our knowledge

NM_001039591.3(USP9X):c.1433A>G (p.Asn478Ser)

Gene: USP9X (ubiquitin specific peptidase 9 X-linked; plus strand). Cytogenetic location: Xp11.4.
Variant type: single nucleotide variant.
Coding change: c.1433A>G on transcript NM_001039591.3 (MANE Select); coding-DNA position 1433, A replaced by G.
Protein change: p.Asn478Ser; replaces asparagine 478 with serine.
Molecular consequence: missense variant.
Genome position (GRCh38, 1-based): chrX:41,148,382, A>G. VCF-style: chrX-41148382-A-G. GRCh37 (hg19) VCF-style: chrX-41007635-A-G.
Other names: c.1433A>G, p.Asn478Ser (NM_001039590.3, NM_001410748.1, NM_001410749.1); short protein forms N478S.
Identifiers: ClinVar variation 3781141 (VCV003781141.1).